The following is an entry in ClinVar:

NM_002470.4(MYH3):c.1638C>T (p.Asp546=)

Gene: MYH3 (myosin heavy chain 3; minus strand). Cytogenetic location: 17p13.1.
Variant type: single nucleotide variant.
Coding change: c.1638C>T on transcript NM_002470.4 (MANE Select); coding-DNA position 1638, C replaced by T.
Protein change: p.Asp546=; no amino-acid change (aspartic acid 546 retained).
Molecular consequence: synonymous variant.
Genome position (GRCh38, 1-based): chr17:10,642,667, G>A on the plus strand (C>T on the coding strand, the complement: MYH3 is on the minus strand). VCF-style: chr17-10642667-G-A. GRCh37 (hg19) VCF-style: chr17-10545984-G-A.
Other names: c.1638C>T (NM_002470.3).
Identifiers: ClinVar variation 1635155 (VCV001635155.10), dbSNP rs773536707, ClinGen allele CA8392958.

ClinVar aggregate classification (germline): Likely benign. Review status: criteria provided, single submitter (1 of 4 stars). 2 submissions from 2 submitters: Likely benign (1). 1 of the submissions does not count toward it. Last evaluated 2025-12-17.

Conditions:
MYH3-related disorder. Also called: MYH3-related condition; MYH3-Related Disorders. Identifiers: MedGen CN239329.

Allele frequency attached by ClinVar (database versions not stated): ExAC 0.00001; gnomAD exomes 0.00001 and 0.00002; gnomAD 0.00002; TOPMed 0.00002.
gnomAD v4.1: 18 of 1,614,140 alleles (0.0011%); highest among the groups gnomAD compares: Admixed American, 0.018%; no homozygotes.

Submissions (2):

Labcorp Genetics (formerly Invitae), Labcorp
Classification: Likely benign. Last evaluated: 2025-12-17. Review status: criteria provided, single submitter. Criteria: Invitae Variant Classification Sherloc (09022015). Collection method: clinical testing. Allele origin: germline.

PreventionGenetics, part of Exact Sciences
Classification: Likely benign for MYH3-related condition. Last evaluated: 2022-09-19. Review status: no assertion criteria provided. Collection method: clinical testing. Allele origin: germline. Not counted in ClinVar's aggregate classification.
Comment: This variant is classified as likely benign based on ACMG/AMP sequence variant interpretation guidelines (Richards et al. 2015 PMID: 25741868, with internal and published modifications).